The following is an entry in ClinVar:

ClinVar aggregate classification (germline): Pathogenic (1 of 4 stars; one submission).

Conditions:
Catecholaminergic polymorphic ventricular tachycardia 1. Also called: VENTRICULAR TACHYCARDIA, STRESS-INDUCED POLYMORPHIC 1; VENTRICULAR TACHYCARDIA, CATECHOLAMINERGIC POLYMORPHIC, 1, WITH OR WITHOUT ATRIAL DYSFUNCTION AND/OR DILATED CARDIOMYOPATHY; RYR2-Related Catecholaminergic Polymorphic Ventricular Tachycardia. Identifiers: Orphanet 3286, MedGen C1631597, MONDO:0011484, OMIM 604772.

Submission:

Labcorp Genetics (formerly Invitae), Labcorp
Classification: Pathogenic for Catecholaminergic polymorphic ventricular tachycardia 1. Last evaluated: 2023-07-17. Review status: criteria provided, single submitter. Criteria: Invitae Variant Classification Sherloc (09022015). Collection method: clinical testing. Allele origin: germline.
Comment: This sequence change creates a premature translational stop signal (p.Leu139Glyfs*4) in the CASQ2 gene. It is expected to result in an absent or disrupted protein product. Loss-of-function variants in CASQ2 are known to be pathogenic (PMID: 12386154). This variant is not present in population databases (gnomAD no frequency). This variant has not been reported in the literature in individuals affected with CASQ2-related conditions. For these reasons, this variant has been classified as Pathogenic.

Literature cited by the submitters: PubMed 12386154.

NM_001232.4(CASQ2):c.414_415del (p.Leu139fs)

Gene: CASQ2 (calsequestrin 2; minus strand). Cytogenetic location: 1p13.1.
Variant type: Microsatellite.
Coding change: c.414_415del on transcript NM_001232.4 (MANE Select); coding-DNA positions 414 to 415, 2 bases deleted (CT; older notation c.414_415delCT).
Protein change: p.Leu139fs; shifts the reading frame from leucine 139.
Molecular consequence: frameshift variant.
Genome position (GRCh38, 1-based): chr1:115,740,733-115,740,734, AG deleted on the plus strand (CT on the coding strand, the reverse complement: CASQ2 is on the minus strand); deleting any 2 consecutive bases within chr1:115,740,733-115,740,736 gives the same sequence; the c. name uses the placement nearest the transcript's 3' end. VCF-style (leftmost placement, unchanged base first): chr1-115740732-AAG-A. GRCh37 (hg19) VCF-style: chr1-116283353-AAG-A.
Other names: short protein forms L139fs.
Identifiers: ClinVar variation 2744443 (VCV002744443.3), dbSNP rs1648146789, ClinGen allele CA1190730378.